The following is an entry in ClinVar:

ClinVar aggregate classification (germline): Pathogenic (1 of 4 stars; one submission).

Conditions:
Kleefstra syndrome 1 (KLEFS1). Identifiers: Orphanet 261494, MedGen C0795833, MONDO:0027407, OMIM 610253.

Submission:

Laboratory of Genetics, Children's Clinical University Hospital Latvia
Classification: Pathogenic for Kleefstra syndrome 1. Review status: criteria provided, single submitter. Criteria: ACMG Guidelines, 2015. Collection method: curation. Allele origin: germline. Affected: yes.
Comment: Inheritance unknown

Literature cited by the submitters: PubMed 39013458.

NM_024757.5(EHMT1):c.444del (p.Gly149fs)

Gene: EHMT1 (euchromatic histone lysine methyltransferase 1; plus strand). Cytogenetic location: 9q34.3.
Variant type: Deletion.
Coding change: c.444del on transcript NM_024757.5 (MANE Select); coding-DNA position 444, one base deleted (T; older notation c.444delT).
Protein change: p.Gly149fs; shifts the reading frame from glycine 149.
Molecular consequence: frameshift variant.
Genome position (GRCh38, 1-based): chr9:137,716,984, T deleted. VCF-style (leftmost placement, unchanged base first): chr9-137716983-CT-C. GRCh37 (hg19) VCF-style: chr9-140611435-CT-C.
Other names: c.444del, p.Gly149fs (NM_001145527.2, NM_001354263.2, NM_001354611.2); c.351del, p.Gly118fs (NM_001354259.2, NM_001354612.2); short protein forms G118fs, G149fs.
Identifiers: ClinVar variation 3236862 (VCV003236862.1).
Genomic context (GRCh38, chr9:137,716,983, plus strand): 5'-ATAAGCCGGCCCTACAGGCACAGCCCTTGAGGACTACCAGCACTCTGGCCTCTTCGCTGC[CT>C]GGCCATGCTGCAAAAACCCTTCCTGGAGGGGCTGGCAAAGGCAGGACTCCAAGCGCTTTT-3'